The following is an entry in ClinVar:

ClinVar aggregate classification (germline): Pathogenic (1 of 4 stars; one submission).

Submission:

Labcorp Genetics (formerly Invitae), Labcorp
Classification: Pathogenic. Last evaluated: 2021-07-08. Review status: criteria provided, single submitter. Criteria: Invitae Variant Classification Sherloc (09022015). Collection method: clinical testing. Allele origin: germline.
Comment: This variant is a gross deletion of the genomic region encompassing exon(s) 22 of the LAMC3 gene. This deletion is out-of-frame, and is expected to create a premature termination codon and result in an absent or disrupted protein product. Loss-of-function variants in LAMC3 are known to be pathogenic (PMID: 21572413, 26802095). This variant has not been reported in the literature in individuals affected with LAMC3-related conditions. For these reasons, this variant has been classified as Pathogenic.

Literature cited by the submitters: PubMed 21572413; PubMed 26802095.

NC_000009.11:g.(?_133952554)_(133952741_?)del

Gene: LAMC3 (laminin subunit gamma 3; plus strand). Cytogenetic location: 9q34.12.
Variant type: Deletion.
Identifiers: ClinVar variation 1457800 (VCV001457800.4).